The following is an entry in ClinVar:

NM_006231.4(POLE):c.4900del (p.Arg1634fs)

Gene: POLE (DNA polymerase epsilon, catalytic subunit; minus strand). Cytogenetic location: 12q24.33.
Variant type: Deletion.
Coding change: c.4900del on transcript NM_006231.4 (MANE Select); coding-DNA position 4900, one base deleted (C; older notation c.4900delC).
Protein change: p.Arg1634fs; shifts the reading frame from arginine 1634.
Molecular consequence: frameshift variant.
Genome position (GRCh38, 1-based): chr12:132,642,558, G deleted on the plus strand (C on the coding strand, the reverse complement: POLE is on the minus strand); the first of 2 consecutive G bases (chr12:132,642,558-132,642,559); deleting either gives the same sequence. VCF-style (leftmost placement, unchanged base first): chr12-132642557-CG-C. GRCh37 (hg19) VCF-style: chr12-133219143-CG-C.
Other names: c.4900delC (NM_006231.3); short protein forms R1634fs.
Identifiers: ClinVar variation 473697 (VCV000473697.9), dbSNP rs1555222567, ClinGen allele CA658658216.
Genomic context (GRCh38, chr12:132,642,557, plus strand): 5'-TGTGCTCACCTGCTCATCTCGAAGGCCTGCGACAGGCAGGTGTCCAGGTTGAGGTAGTGA[CG>C]GATCATGCGCCGGGCTCCATGGCGCTGCCAGTCCAGGACCCCATAGTTGATCTTGTCAGC-3'

ClinVar aggregate classification (germline): Pathogenic (1 of 4 stars; one submission).

Submission:

Labcorp Genetics (formerly Invitae), Labcorp
Classification: Pathogenic. Last evaluated: 2022-05-11. Review status: criteria provided, single submitter. Criteria: Invitae Variant Classification Sherloc (09022015). Collection method: clinical testing. Allele origin: germline.
Comment: This variant is not present in population databases (gnomAD no frequency). This sequence change creates a premature translational stop signal (p.Arg1634Valfs*16) in the POLE gene. It is expected to result in an absent or disrupted protein product. Loss-of-function variants in POLE are known to be pathogenic (PMID: 23230001, 25948378, 30503519). For these reasons, this variant has been classified as Pathogenic. ClinVar contains an entry for this variant (Variation ID: 473697). This variant has not been reported in the literature in individuals affected with POLE-related conditions.

Literature cited by the submitters: PubMed 23230001; PubMed 25948378; PubMed 30503519.